The following is an entry in ClinVar:

ClinVar aggregate classification (germline): Uncertain significance (1 of 4 stars; one submission).

gnomAD v4.1: 1 of 1,584,128 alleles (0.000063%); highest among the groups gnomAD compares: African/African-American, 0.0014%; no homozygotes.

Submission:

Ambry Genetics
Classification: Uncertain significance. Last evaluated: 2026-02-14. Review status: criteria provided, single submitter. Criteria: Ambry Variant Classification Scheme 2023. Collection method: clinical testing. Allele origin: germline.
Comment: The p.N477D variant (also known as c.1429A>G), located in coding exon 13 of the GEN1 gene, results from an A to G substitution at nucleotide position 1429. The asparagine at codon 477 is replaced by aspartic acid, an amino acid with highly similar properties. This amino acid position is conserved. In addition, this alteration is predicted to be tolerated by in silico analysis. Based on the available evidence, the clinical significance of this variant remains unclear.

NM_001130009.3(GEN1):c.1429A>G (p.Asn477Asp)

Gene: GEN1 (GEN1 structure-specific endonuclease; plus strand). Cytogenetic location: 2p24.2.
Variant type: single nucleotide variant.
Coding change: c.1429A>G on transcript NM_001130009.3 (MANE Select); coding-DNA position 1429, A replaced by G.
Protein change: p.Asn477Asp; replaces asparagine 477 with aspartic acid.
Molecular consequence: missense variant.
Genome position (GRCh38, 1-based): chr2:17,780,641, A>G. VCF-style: chr2-17780641-A-G. GRCh37 (hg19) VCF-style: chr2-17961908-A-G.
Other names: c.1429A>G, p.Asn477Asp (NM_182625.5); short protein forms N477D.
Identifiers: ClinVar variation 4844978 (VCV004844978.1).